The following is an entry in ClinVar:

ClinVar aggregate classification (germline): Benign/Likely benign. Review status: criteria provided, multiple submitters, no conflicts (2 of 4 stars). 3 submissions from 3 submitters: Benign (2); Likely benign (1). Last evaluated 2026-02-01.

Conditions:
Brugada syndrome. Also called: Sudden unexplained nocturnal death syndrome; Sudden unexpected nocturnal death syndrome; Sudden Unexplained Death Syndrome; Sudden Unexplained Nocturnal Death Syndrome (SUNDS). Identifiers: Orphanet 130, MedGen C1142166, MONDO:0015263.

Allele frequency attached by ClinVar (database versions not stated): gnomAD exomes 0.00060 and 0.00164; ExAC 0.00200; gnomAD 0.00599 and 0.00621; ESP Exome Variant Server 0.00692; TOPMed 0.00743; 1000 Genomes Project 0.00938; 1000 Genomes Project 30x 0.00968.
gnomAD v4.1: 1,806 of 1,613,620 alleles (0.11%); highest among the groups gnomAD compares: African/African-American, 2.1%; 16 homozygotes.

Submissions (3):

Labcorp Genetics (formerly Invitae), Labcorp
Classification: Benign for Brugada syndrome. Last evaluated: 2026-02-01. Review status: criteria provided, single submitter. Criteria: Invitae Variant Classification Sherloc (09022015). Collection method: clinical testing. Allele origin: germline.

Blueprint Genetics
Classification: Likely benign. Last evaluated: 2024-11-01. Review status: criteria provided, single submitter. Criteria: ACMG Guidelines, 2015. Collection method: clinical testing. Allele origin: germline.

GeneDx
Classification: Benign. Last evaluated: 2014-07-28. Review status: criteria provided, single submitter. Criteria: GeneDx Variant Classification (06012015). Collection method: clinical testing. Allele origin: germline. Affected: yes.
Comment: This variant is considered likely benign or benign based on one or more of the following criteria: it is a conservative change, it occurs at a poorly conserved position in the protein, it is predicted to be benign by multiple in silico algorithms, and/or has population frequency not consistent with disease.

NM_015141.4(GPD1L):c.366+8G>A

Gene: GPD1L (glycerol-3-phosphate dehydrogenase 1 like; plus strand). Cytogenetic location: 3p22.3.
Variant type: single nucleotide variant.
Coding change: c.366+8G>A on transcript NM_015141.4 (MANE Select); 8 bases into the intron after coding-DNA position 366, G replaced by A.
Molecular consequence: intron variant.
Genome position (GRCh38, 1-based): chr3:32,138,735, G>A. VCF-style: chr3-32138735-G-A. GRCh37 (hg19) VCF-style: chr3-32180227-G-A.
Identifiers: ClinVar variation 190761 (VCV000190761.13), dbSNP rs72546650, ClinGen allele CA334806.
Genomic context (GRCh38, chr3:32,138,735, plus strand): 5'-ATGAGATCACTGGGAGAGTGCCCAAGAAAGCGCTGGGAATCACCCTCATCAAGGTAACTC[G>A]AGTGCATGCTGCCCAGGGCTAGACATTGGTTATCAGGAAATTTCATTTCCTCACACTTTC-3'